The following is an entry in ClinVar:

NM_198576.4(AGRN):c.4450A>G (p.Thr1484Ala)

Gene: AGRN (agrin; plus strand). Cytogenetic location: 1p36.33.
Variant type: single nucleotide variant.
Coding change: c.4450A>G on transcript NM_198576.4 (MANE Select); coding-DNA position 4450, A replaced by G.
Protein change: p.Thr1484Ala; replaces threonine 1484 with alanine.
Molecular consequence: missense variant.
Genome position (GRCh38, 1-based): chr1:1,049,387, A>G. VCF-style: chr1-1049387-A-G. GRCh37 (hg19) VCF-style: chr1-984767-A-G.
Other names: c.4450A>G, p.Thr1484Ala (NM_001305275.2); c.4135A>G, p.Thr1379Ala (NM_001364727.2); short protein forms T1379A, T1484A.
Identifiers: ClinVar variation 1395696 (VCV001395696.8), dbSNP rs2100676449, ClinGen allele CA337777360.
Genomic context (GRCh38, chr1:1,049,387, plus strand): 5'-CGCCGGGGCACCCTCTCGGTGGATGGTGAGACCCCTGTTCTGGGCGAGAGTCCCAGTGGC[A>G]CCGACGGCCTCAACCTGGACACAGACCTCTTTGTGGGCGGCGTACCCGAGGACCAGGCTG-3'
Protein context (NP_940978.2, residues 1474-1494): TPVLGESPSG[Thr1484Ala]DGLNLDTDLF

ClinVar aggregate classification (germline): Uncertain significance (1 of 4 stars; one submission).

Conditions:
Congenital myasthenic syndrome 8. Also called: MYASTHENIC SYNDROME, CONGENITAL, DUE TO AGRIN DEFICIENCY; Myasthenic syndrome, congenital, 8, with pre- and postsynaptic defects. Identifiers: Orphanet 590, MedGen C3808739, MONDO:0014052, OMIM 615120.

Allele frequency attached by ClinVar (database versions not stated): gnomAD exomes below 0.00001.
gnomAD v4.1: 2 of 1,598,502 alleles (0.00013%); highest among the groups gnomAD compares: Non-Finnish European, 0.00017%; no homozygotes.

Submission:

Labcorp Genetics (formerly Invitae), Labcorp
Classification: Uncertain significance for Congenital myasthenic syndrome 8. Last evaluated: 2024-02-24. Review status: criteria provided, single submitter. Criteria: Invitae Variant Classification Sherloc (09022015). Collection method: clinical testing. Allele origin: germline.
Comment: This sequence change replaces threonine, which is neutral and polar, with alanine, which is neutral and non-polar, at codon 1484 of the AGRN protein (p.Thr1484Ala). This variant is not present in population databases (gnomAD no frequency). This variant has not been reported in the literature in individuals affected with AGRN-related conditions. ClinVar contains an entry for this variant (Variation ID: 1395696). An algorithm developed to predict the effect of missense changes on protein structure and function (PolyPhen-2) suggests that this variant is likely to be disruptive. In summary, the available evidence is currently insufficient to determine the role of this variant in disease. Therefore, it has been classified as a Variant of Uncertain Significance.